The following is an entry in ClinVar:

ClinVar aggregate classification (germline): Likely benign. Review status: criteria provided, multiple submitters, no conflicts (2 of 4 stars). 3 submissions from 3 submitters: Likely benign (2). 1 of the submissions does not count toward it. Last evaluated 2025-09-15.

Conditions:
FAT4-related disorder. Also called: FAT4-related condition.

Allele frequency attached by ClinVar (database versions not stated): ExAC 0.00004; gnomAD 0.00004 and 0.00005; gnomAD exomes 0.00004 and 0.00005; TOPMed 0.00004; ESP Exome Variant Server 0.00015.
gnomAD v4.1: 70 of 1,613,756 alleles (0.0043%); highest among the groups gnomAD compares: East Asian, 0.0089%; no homozygotes.

Submissions (3):

Labcorp Genetics (formerly Invitae), Labcorp
Classification: Likely benign. Last evaluated: 2025-09-15. Review status: criteria provided, single submitter. Criteria: Invitae Variant Classification Sherloc (09022015). Collection method: clinical testing. Allele origin: germline.

Blueprint Genetics
Classification: Likely benign. Last evaluated: 2022-12-14. Review status: criteria provided, single submitter. Criteria: ACMG Guidelines, 2015. Collection method: clinical testing. Allele origin: germline.

PreventionGenetics, part of Exact Sciences
Classification: Likely benign for FAT4-related condition. Last evaluated: 2023-05-23. Review status: no assertion criteria provided. Collection method: clinical testing. Allele origin: germline. Not counted in ClinVar's aggregate classification.
Comment: This variant is classified as likely benign based on ACMG/AMP sequence variant interpretation guidelines (Richards et al. 2015 PMID: 25741868, with internal and published modifications).

NM_001291303.3(FAT4):c.9006G>A (p.Thr3002=)

Gene: FAT4 (FAT atypical cadherin 4; plus strand). Cytogenetic location: 4q28.1.
Variant type: single nucleotide variant.
Coding change: c.9006G>A on transcript NM_001291303.3 (MANE Select); coding-DNA position 9006, G replaced by A.
Protein change: p.Thr3002=; no amino-acid change (threonine 3002 retained).
Molecular consequence: synonymous variant.
Genome position (GRCh38, 1-based): chr4:125,450,016, G>A. VCF-style: chr4-125450016-G-A. GRCh37 (hg19) VCF-style: chr4-126371171-G-A.
Other names: c.9006G>A, p.Thr3002= (NM_001291285.3); c.9000G>A, p.Thr3000= (NM_024582.6); c.9000G>A (NM_024582.4).
Identifiers: ClinVar variation 1594158 (VCV001594158.12), dbSNP rs142357260, ClinGen allele CA3073456.